The following is an entry in ClinVar:

NM_000111.3(SLC26A3):c.406A>G (p.Met136Val)

Gene: SLC26A3 (solute carrier family 26 member 3; minus strand). Cytogenetic location: 7q22.3.
Variant type: single nucleotide variant.
Coding change: c.406A>G on transcript NM_000111.3 (MANE Select); coding-DNA position 406, A replaced by G.
Protein change: p.Met136Val; replaces methionine 136 with valine.
Molecular consequence: missense variant.
Genome position (GRCh38, 1-based): chr7:107,791,212, T>C on the plus strand (A>G on the coding strand, the complement: SLC26A3 is on the minus strand). VCF-style: chr7-107791212-T-C. GRCh37 (hg19) VCF-style: chr7-107431657-T-C.
Other names: short protein forms M136V.
Identifiers: ClinVar variation 4685520 (VCV004685520.1).

ClinVar aggregate classification (germline): Likely pathogenic (1 of 4 stars; one submission).

Conditions:
Congenital secretory diarrhea, chloride type (DIAR1). Also called: CHLORIDORRHEA, CONGENITAL; CHLORIDE DIARRHEA, CONGENITAL, FINNISH TYPE; DIARRHEA 1, SECRETORY CHLORIDE, CONGENITAL. Identifiers: Orphanet 53689, MedGen C0267662, MONDO:0008964, OMIM 214700.

Submission:

Centre for Medical Genetics,  Mumbai
Classification: Likely pathogenic for Congenital secretory diarrhea, chloride type. Last evaluated: 2025-12-31. Review status: criteria provided, single submitter. Criteria: ACMG Guidelines, 2015. Collection method: provider interpretation. Allele origin: germline. Inheritance: Autosomal recessive inheritance. Affected: yes. Observed: 1 homozygote.
Comment: The variant satisfies PM2 criteria: absent in gnomAD population database, satisfies PM5 criteria: different amino acid change at same position is a known pathogenic variant c.408G>A or p.Met136Ile (Clinvar database Accession: VCV000056002.2), the variant satisfies PP3 criteria: For a missense or a splicing region variant, computational prediction tools unanimously support a deleterious effect on the gene

Literature cited by the submitters: PubMed 8896562.